The following is an entry in ClinVar:

ClinVar aggregate classification (germline): Uncertain significance (1 of 4 stars; one submission).

Conditions:
Renal cell carcinoma. Identifiers: Orphanet 217071, MedGen C0007134, MeSH D002292, MONDO:0005086, HP:0005584.

Submission:

Labcorp Genetics (formerly Invitae), Labcorp
Classification: Uncertain significance for Renal cell carcinoma. Last evaluated: 2024-10-07. Review status: criteria provided, single submitter. Criteria: Invitae Variant Classification Sherloc (09022015). Collection method: clinical testing. Allele origin: germline.
Comment: This sequence change replaces asparagine, which is neutral and polar, with isoleucine, which is neutral and non-polar, at codon 379 of the MET protein (p.Asn379Ile). This variant is not present in population databases (gnomAD no frequency). This variant has not been reported in the literature in individuals affected with MET-related conditions. Invitae Evidence Modeling of protein sequence and biophysical properties (such as structural, functional, and spatial information, amino acid conservation, physicochemical variation, residue mobility, and thermodynamic stability) indicates that this missense variant is not expected to disrupt MET protein function with a negative predictive value of 80%. In summary, the available evidence is currently insufficient to determine the role of this variant in disease. Therefore, it has been classified as a Variant of Uncertain Significance.

NM_000245.4(MET):c.1136A>T (p.Asn379Ile)

Gene: MET (MET proto-oncogene, receptor tyrosine kinase; plus strand). Cytogenetic location: 7q31.2.
Variant type: single nucleotide variant.
Coding change: c.1136A>T on transcript NM_000245.4 (MANE Select); coding-DNA position 1136, A replaced by T.
Protein change: p.Asn379Ile; replaces asparagine 379 with isoleucine.
Molecular consequence: missense variant. On other transcripts: intron variant (1).
Genome position (GRCh38, 1-based): chr7:116,700,220, A>T. VCF-style: chr7-116700220-A-T. GRCh37 (hg19) VCF-style: chr7-116340274-A-T.
Other names: c.1136A>T, p.Asn379Ile (NM_001127500.3, NM_001324401.3); c.-91+27643A>T (NM_001324402.2); short protein forms N379I.
Identifiers: ClinVar variation 3730685 (VCV003730685.2).